The following is an entry in ClinVar:

NM_004408.4(DNM1):c.2584T>G (p.Phe862Val)

Gene: DNM1 (dynamin 1; plus strand). Cytogenetic location: 9q34.11.
Variant type: single nucleotide variant.
Coding change: c.2584T>G on transcript NM_004408.4 (MANE Select); coding-DNA position 2584, T replaced by G.
Protein change: p.Phe862Val; replaces phenylalanine 862 with valine.
Molecular consequence: missense variant. On other transcripts: 3 prime UTR variant (4).
Genome position (GRCh38, 1-based): chr9:128,254,703, T>G. VCF-style: chr9-128254703-T-G. GRCh37 (hg19) VCF-style: chr9-131016982-T-G.
Other names: c.*65T>G (NM_001005336.3, NM_001288737.2); c.*710T>G (NM_001288738.2); c.2584T>G, p.Phe862Val (NM_001288739.2); c.*625T>G (NM_001374269.1); short protein forms F862V.
Identifiers: ClinVar variation 1483912 (VCV001483912.6), dbSNP rs2131314418, ClinGen allele CA375003130.
Genomic context (GRCh38, chr9:128,254,703, plus strand): 5'-CCAACTGCCAGCCGATCGGGTCAGGCAAGTCCATCCCGTCCTGAGAGCCCCAGGCCCCCC[T>G]TCGACCTCTAAACAGATCCCTCCTCTTCTCGGAGACCTCCCTTTCCAAGCCTGCCTGGAC-3'
Protein context (NP_004399.2, residues 852-864): PSRPESPRPP[Phe862Val]DL

ClinVar aggregate classification (germline): Uncertain significance (1 of 4 stars; one submission).

Conditions:
Developmental and epileptic encephalopathy, 31A. Also called: Developmental and epileptic encephalopathy, 31; Epileptic encephalopathy, early infantile, 31. Identifiers: Orphanet 2382, MedGen C4225357, MONDO:0014598, OMIM 616346.

Allele frequency attached by ClinVar (database versions not stated): gnomAD exomes below 0.00001.
gnomAD v4.1: 2 of 1,596,100 alleles (0.00013%); highest among the groups gnomAD compares: Non-Finnish European, 0.00017%; no homozygotes.

Submission:

Labcorp Genetics (formerly Invitae), Labcorp
Classification: Uncertain significance for Developmental and epileptic encephalopathy, 31A. Last evaluated: 2020-11-13. Review status: criteria provided, single submitter. Criteria: Invitae Variant Classification Sherloc (09022015). Collection method: clinical testing. Allele origin: germline.
Comment: This variant is not present in population databases (ExAC no frequency). This sequence change replaces phenylalanine with valine at codon 862 of the DNM1 protein (p.Phe862Val). The phenylalanine residue is weakly conserved and there is a small physicochemical difference between phenylalanine and valine. This variant has not been reported in the literature in individuals with DNM1-related conditions. In summary, the available evidence is currently insufficient to determine the role of this variant in disease. Therefore, it has been classified as a Variant of Uncertain Significance. Advanced modeling of protein sequence and biophysical properties (such as structural, functional, and spatial information, amino acid conservation, physicochemical variation, residue mobility, and thermodynamic stability) performed at Invitae indicates that this missense variant is not expected to disrupt DNM1 protein function.